The following is an entry in ClinVar:

NM_000051.4(ATM):c.7616A>G (p.Glu2539Gly)

Genes: C11orf65 (chromosome 11 open reading frame 65; minus strand), ATM (ATM serine/threonine kinase; plus strand). Cytogenetic location: 11q22.3.
Variant type: single nucleotide variant.
Coding change: c.7616A>G on transcript NM_000051.4 (MANE Select); coding-DNA position 7616, A replaced by G.
Protein change: p.Glu2539Gly; replaces glutamic acid 2539 with glycine.
Molecular consequence: missense variant. On other transcripts: non-coding transcript variant (1), intron variant (2).
Genome position (GRCh38, 1-based): chr11:108,331,544, A>G. VCF-style: chr11-108331544-A-G. GRCh37 (hg19) VCF-style: chr11-108202271-A-G.
Other names: c.7616A>G, p.Glu2539Gly (NM_001351834.2); c.641-22473T>C (NM_001330368.2); c.*38+3676T>C (NM_001351110.2); short protein forms E2539G.
Identifiers: ClinVar variation 2115680 (VCV002115680.4), dbSNP rs2547275551, ClinGen allele CA382560847.

ClinVar aggregate classification (germline): Uncertain significance (1 of 4 stars; one submission).

Conditions:
Ataxia-telangiectasia syndrome (AT). Also called: ATAXIA-TELANGIECTASIA, COMPLEMENTATION GROUP A; ATAXIA-TELANGIECTASIA, FRESNO VARIANT; Ataxia-telangiectasia; Ataxia-telangiectasia, complementation group E; LOUIS-BAR SYNDROME; Cerebello-oculocutaneous telangiectasia. Identifiers: Orphanet 100, MedGen C0004135, MONDO:0008840, OMIM 208900.

Submission:

Labcorp Genetics (formerly Invitae), Labcorp
Classification: Uncertain significance for Ataxia-telangiectasia syndrome. Last evaluated: 2022-03-21. Review status: criteria provided, single submitter. Criteria: Invitae Variant Classification Sherloc (09022015). Collection method: clinical testing. Allele origin: germline.
Comment: Advanced modeling of protein sequence and biophysical properties (such as structural, functional, and spatial information, amino acid conservation, physicochemical variation, residue mobility, and thermodynamic stability) performed at Invitae indicates that this missense variant is not expected to disrupt ATM protein function. In summary, the available evidence is currently insufficient to determine the role of this variant in disease. Therefore, it has been classified as a Variant of Uncertain Significance. This variant has not been reported in the literature in individuals affected with ATM-related conditions. This variant is not present in population databases (gnomAD no frequency). This sequence change replaces glutamic acid, which is acidic and polar, with glycine, which is neutral and non-polar, at codon 2539 of the ATM protein (p.Glu2539Gly).